The following is an entry in ClinVar:

ClinVar aggregate classification (germline): Benign/Likely benign. Review status: criteria provided, multiple submitters, no conflicts (2 of 4 stars). 8 submissions from 8 submitters: Benign (1); Likely benign (7). Last evaluated 2026-01-05.

Conditions:
Renal cell carcinoma. Identifiers: Orphanet 217071, MedGen C0007134, MeSH D002292, MONDO:0005086, HP:0005584.
Hereditary cancer-predisposing syndrome. Also called: Tumor predisposition; Hereditary Cancer Syndrome; Neoplastic Syndromes, Hereditary; Hereditary neoplastic syndrome. Identifiers: Orphanet 140162, MedGen C0027672, MeSH D009386, MONDO:0015356.
MET-related disorder. Also called: MET-related condition.
Papillary renal cell carcinoma type 1 (RCCP1). Also called: RENAL CELL CARCINOMA, PAPILLARY, 1, SOMATIC; Renal adenocarcinoma; Renal cell carcinoma 1; Renal cell carcinoma, somatic. Identifiers: Orphanet 47044, MedGen C1336839, OMIM 605074, HP:0011797.

Allele frequency attached by ClinVar (database versions not stated): ExAC 0.00001; gnomAD exomes 0.00002 and 0.00003; TOPMed 0.00002; gnomAD 0.00004.
gnomAD v4.1: 56 of 1,613,968 alleles (0.0035%); highest among the groups gnomAD compares: Middle Eastern, 0.016%; no homozygotes.

Submissions (8):

Labcorp Genetics (formerly Invitae), Labcorp
Classification: Likely benign for Renal cell carcinoma. Last evaluated: 2026-01-05. Review status: criteria provided, single submitter. Criteria: Invitae Variant Classification Sherloc (09022015). Collection method: clinical testing. Allele origin: germline.

PreventionGenetics, part of Exact Sciences
Classification: Likely benign for MET-related condition. Last evaluated: 2025-12-04. Review status: criteria provided, single submitter. Criteria: ACMG Guidelines, 2015. Collection method: clinical testing. Allele origin: germline.
Comment: This variant is classified as likely benign based on ACMG/AMP sequence variant interpretation guidelines (Richards et al. 2015 PMID: 25741868, with internal and published modifications).

Center for Genomic Medicine, Rigshospitalet, Copenhagen University Hospital
Classification: Likely benign. Last evaluated: 2025-03-04. Review status: criteria provided, single submitter. Criteria: ACMG Guidelines, 2015. Collection method: clinical testing. Allele origin: germline.

Myriad Genetics, Inc.
Classification: Benign for Papillary renal cell carcinoma type 1. Last evaluated: 2024-11-07. Review status: criteria provided, single submitter. Criteria: Myriad Autosomal Dominant, Autosomal Recessive and X-Linked Classification Criteria (2023). Collection method: clinical testing. Allele origin: unknown.
Comment: This variant is considered benign. This variant is a silent/synonymous amino acid change and it is not expected to impact splicing.

CeGaT Center for Human Genetics Tuebingen
Classification: Likely benign. Last evaluated: 2024-11-01. Review status: criteria provided, single submitter. Criteria: CeGaT Center For Human Genetics Tuebingen Variant Classification Criteria Version 2. Collection method: clinical testing. Allele origin: germline. Affected: yes. Observed: 1 variant allele.
Comment: MET: BP4, BP7

KCCC/NGS Laboratory, Kuwait Cancer Control Center
Classification: Likely benign for Papillary renal cell carcinoma type 1. Last evaluated: 2023-07-07. Review status: criteria provided, single submitter. Criteria: ACMG Guidelines, 2015. Collection method: clinical testing. Allele origin: germline. Affected: yes.

GeneDx
Classification: Likely benign. Last evaluated: 2020-12-16. Review status: criteria provided, single submitter. Criteria: GeneDx Variant Classification Process June 2021. Collection method: clinical testing. Allele origin: germline. Affected: yes.

Ambry Genetics
Classification: Likely benign for Hereditary cancer-predisposing syndrome. Last evaluated: 2017-09-26. Review status: criteria provided, single submitter. Criteria: Ambry Variant Classification Scheme 2023. Collection method: clinical testing. Allele origin: germline.

NM_000245.4(MET):c.1278C>T (p.Arg426=)

Gene: MET (MET proto-oncogene, receptor tyrosine kinase; plus strand). Cytogenetic location: 7q31.2.
Variant type: single nucleotide variant.
Coding change: c.1278C>T on transcript NM_000245.4 (MANE Select); coding-DNA position 1278, C replaced by T.
Protein change: p.Arg426=; no amino-acid change (arginine 426 retained).
Molecular consequence: synonymous variant. On other transcripts: 5 prime UTR variant (1).
Genome position (GRCh38, 1-based): chr7:116,731,745, C>T. VCF-style: chr7-116731745-C-T. GRCh37 (hg19) VCF-style: chr7-116371799-C-T.
Other names: c.1278C>T, p.Arg426= (NM_001127500.3, NM_001324401.3); c.-13C>T (NM_001324402.2); c.1278C>T (NM_001127500.2).
Identifiers: ClinVar variation 246622 (VCV000246622.36), dbSNP rs748508881, ClinGen allele CA4448126.